The following is an entry in ClinVar:

ClinVar aggregate classification (germline): Uncertain significance (1 of 4 stars; one submission).

Conditions:
Charcot-Marie-Tooth disease type 2. Also called: Charcot-Marie-Tooth type 2. Identifiers: Orphanet 64746, MedGen C0270914, MONDO:0018993.

Submission:

Labcorp Genetics (formerly Invitae), Labcorp
Classification: Uncertain significance for Charcot-Marie-Tooth disease type 2. Last evaluated: 2025-06-24. Review status: criteria provided, single submitter. Criteria: Invitae Variant Classification Sherloc (09022015). Collection method: clinical testing. Allele origin: germline.
Comment: This sequence change replaces methionine, which is neutral and non-polar, with arginine, which is basic and polar, at codon 478 of the MFN2 protein (p.Met478Arg). This variant is not present in population databases (gnomAD no frequency). This variant has not been reported in the literature in individuals affected with MFN2-related conditions. Invitae Evidence Modeling of protein sequence and biophysical properties (such as structural, functional, and spatial information, amino acid conservation, physicochemical variation, residue mobility, and thermodynamic stability) has been performed for this missense variant. However, the output from this modeling did not meet the statistical confidence thresholds required to predict the impact of this variant on MFN2 protein function. In summary, the available evidence is currently insufficient to determine the role of this variant in disease. Therefore, it has been classified as a Variant of Uncertain Significance.

NM_014874.4(MFN2):c.1433T>G (p.Met478Arg)

Gene: MFN2 (mitofusin 2; plus strand). Cytogenetic location: 1p36.22.
Variant type: single nucleotide variant.
Coding change: c.1433T>G on transcript NM_014874.4 (MANE Select); coding-DNA position 1433, T replaced by G.
Protein change: p.Met478Arg; replaces methionine 478 with arginine.
Molecular consequence: missense variant.
Genome position (GRCh38, 1-based): chr1:12,004,865, T>G. VCF-style: chr1-12004865-T-G. GRCh37 (hg19) VCF-style: chr1-12064922-T-G.
Other names: c.1433T>G, p.Met478Arg (NM_001127660.2); short protein forms M478R.
Identifiers: ClinVar variation 4709690 (VCV004709690.1).